The following is an entry in ClinVar:

NM_000548.5(TSC2):c.1257+14C>T

Gene: TSC2 (TSC complex subunit 2; plus strand). Cytogenetic location: 16p13.3.
Variant type: single nucleotide variant.
Coding change: c.1257+14C>T on transcript NM_000548.5 (MANE Select); 14 bases into the intron after coding-DNA position 1257, C replaced by T.
Molecular consequence: intron variant.
Genome position (GRCh38, 1-based): chr16:2,062,022, C>T. VCF-style: chr16-2062022-C-T. GRCh37 (hg19) VCF-style: chr16-2112023-C-T.
Other names: c.1257+14C>T (NM_001114382.3, NM_021055.3, NM_001370405.1 and 3 more transcripts); c.1146+14C>T (NM_001318827.2); c.657+14C>T (NM_001318831.2); c.1110+14C>T (NM_001318829.2); c.1290+14C>T (NM_001318832.2).
Identifiers: ClinVar variation 207657 (VCV000207657.10), dbSNP rs748972223, ClinGen allele CA028882.

ClinVar aggregate classification (germline): Benign/Likely benign. Review status: criteria provided, multiple submitters, no conflicts (2 of 4 stars). 4 submissions from 4 submitters: Benign (2); Likely benign (2). Last evaluated 2026-01-16.

Conditions:
Tuberous sclerosis 2 (TSC2). Identifiers: Orphanet 805, MedGen C1860707, MONDO:0013199, OMIM 613254.

Allele frequency attached by ClinVar (database versions not stated): gnomAD 0.00001; gnomAD exomes 0.00008 and 0.00017; TOPMed 0.00010; ExAC 0.00017.
gnomAD v4.1: 51 of 1,613,862 alleles (0.0032%); highest among the groups gnomAD compares: Admixed American, 0.067%; no homozygotes.

Submissions (4):

Labcorp Genetics (formerly Invitae), Labcorp
Classification: Benign for Tuberous sclerosis 2. Last evaluated: 2026-01-16. Review status: criteria provided, single submitter. Criteria: Invitae Variant Classification Sherloc (09022015). Collection method: clinical testing. Allele origin: germline.

ARUP Laboratories, Molecular Genetics and Genomics, ARUP Laboratories
Classification: Likely benign. Last evaluated: 2025-01-21. Review status: criteria provided, single submitter. Criteria: ARUP Molecular Germline Variant Investigation Process 2024. Collection method: clinical testing. Allele origin: germline.

Blueprint Genetics
Classification: Likely benign. Last evaluated: 2023-01-10. Review status: criteria provided, single submitter. Criteria: ACMG Guidelines, 2015. Collection method: clinical testing. Allele origin: germline.

GeneDx
Classification: Benign. Last evaluated: 2014-07-07. Review status: criteria provided, single submitter. Criteria: GeneDx Variant Classification (06012015). Collection method: clinical testing. Allele origin: germline. Affected: yes.
Comment: This variant is considered likely benign or benign based on one or more of the following criteria: it is a conservative change, it occurs at a poorly conserved position in the protein, it is predicted to be benign by multiple in silico algorithms, and/or has population frequency not consistent with disease.